The following is an entry in ClinVar:

ClinVar aggregate classification (germline): Uncertain significance (1 of 4 stars; one submission).

gnomAD v4.1: 5 of 1,592,680 alleles (0.00031%); highest among the groups gnomAD compares: Non-Finnish European, 0.00043%; no homozygotes.

Submission:

Ambry Genetics
Classification: Uncertain significance. Last evaluated: 2025-01-27. Review status: criteria provided, single submitter. Criteria: Ambry Variant Classification Scheme 2023. Collection method: clinical testing. Allele origin: germline.
Comment: The p.D1883N variant (also known as c.5647G>A), located in coding exon 22 of the WNK2 gene, results from a G to A substitution at nucleotide position 5647. The aspartic acid at codon 1883 is replaced by asparagine, an amino acid with highly similar properties. This amino acid position is conserved. In addition, the in silico prediction for this alteration is inconclusive. Based on the available evidence, the clinical significance of this variant remains unclear.

NM_006648.4(WNK2):c.5647G>A (p.Asp1883Asn)

Gene: WNK2 (WNK lysine deficient protein kinase 2; plus strand). Cytogenetic location: 9q22.31.
Variant type: single nucleotide variant.
Coding change: c.5647G>A on transcript NM_006648.4 (MANE Select); coding-DNA position 5647, G replaced by A.
Protein change: p.Asp1883Asn; replaces aspartic acid 1883 with asparagine.
Molecular consequence: missense variant.
Genome position (GRCh38, 1-based): chr9:93,293,112, G>A. VCF-style: chr9-93293112-G-A. GRCh37 (hg19) VCF-style: chr9-96055394-G-A.
Other names: c.5758G>A, p.Asp1920Asn (NM_001282394.3); short protein forms D1920N, D1883N.
Identifiers: ClinVar variation 3816934 (VCV003816934.1).